The following is an entry in ClinVar:

ClinVar aggregate classification (germline): Uncertain significance. Review status: criteria provided, multiple submitters, no conflicts (2 of 4 stars). 2 submissions from 2 submitters: Uncertain significance (2). Last evaluated 2025-09-23.

Conditions:
SH3TC2-related disorder. Also called: SH3TC2-related condition; SH3TC2-related disorders. Identifiers: MedGen CN239303.
Charcot-Marie-Tooth disease type 4. Also called: Charcot-Marie-Tooth disease, type IV; Charcot-Marie-Tooth, Type 4. Identifiers: Orphanet 64749, MedGen C4082197, MONDO:0018995.

Allele frequency attached by ClinVar (database versions not stated): ExAC 0.00001; gnomAD exomes 0.00001; TOPMed 0.00001.
gnomAD v4.1: 8 of 1,613,870 alleles (0.0005%); highest among the groups gnomAD compares: Non-Finnish European, 0.00068%; no homozygotes.

Submissions (2):

PreventionGenetics, part of Exact Sciences
Classification: Uncertain significance for SH3TC2-related condition. Last evaluated: 2025-09-23. Review status: criteria provided, single submitter. Criteria: ACMG Guidelines, 2015. Collection method: clinical testing. Allele origin: germline.
Comment: The SH3TC2 c.1217G>T variant is predicted to result in the amino acid substitution p.Arg406Ile. To our knowledge, this variant has not been reported in the literature. This variant is reported in 0.0018% of alleles in individuals of European (non-Finnish) descent in gnomAD. At this time, the clinical significance of this variant is uncertain due to the absence of conclusive functional and genetic evidence.

Labcorp Genetics (formerly Invitae), Labcorp
Classification: Uncertain significance for Charcot-Marie-Tooth disease type 4. Last evaluated: 2020-12-19. Review status: criteria provided, single submitter. Criteria: Invitae Variant Classification Sherloc (09022015). Collection method: clinical testing. Allele origin: germline.
Comment: In summary, the available evidence is currently insufficient to determine the role of this variant in disease. Therefore, it has been classified as a Variant of Uncertain Significance. Algorithms developed to predict the effect of missense changes on protein structure and function (SIFT, PolyPhen-2, Align-GVGD) all suggest that this variant is likely to be tolerated, but these predictions have not been confirmed by published functional studies and their clinical significance is uncertain. This variant has not been reported in the literature in individuals with SH3TC2-related conditions. This variant is present in population databases (rs761907624, ExAC 0.002%). This sequence change replaces arginine with isoleucine at codon 406 of the SH3TC2 protein (p.Arg406Ile). The arginine residue is weakly conserved and there is a moderate physicochemical difference between arginine and isoleucine.

NM_024577.4(SH3TC2):c.1217G>T (p.Arg406Ile)

Gene: SH3TC2 (SH3 domain and tetratricopeptide repeats 2; minus strand). Cytogenetic location: 5q32.
Variant type: single nucleotide variant.
Coding change: c.1217G>T on transcript NM_024577.4 (MANE Select); coding-DNA position 1217, G replaced by T.
Protein change: p.Arg406Ile; replaces arginine 406 with isoleucine.
Molecular consequence: missense variant.
Genome position (GRCh38, 1-based): chr5:149,028,515, C>A on the plus strand (G>T on the coding strand, the complement: SH3TC2 is on the minus strand). VCF-style: chr5-149028515-C-A. GRCh37 (hg19) VCF-style: chr5-148408078-C-A.
Other names: short protein forms R406I.
Identifiers: ClinVar variation 856951 (VCV000856951.9), dbSNP rs761907624, ClinGen allele CA3499228.
Genomic context (GRCh38, chr5:149,028,515, plus strand): 5'-CTGGAGTCCTCAGAGCTGCTGGACTGTCTGGACCCCACGGCCTGATGCTCCTCCCAGGCT[C>A]TGCCAGGCCTGACCTCCTTGAAACCTTCAGGCTGGGATGCTGTAAGGACAGGCAAAGTTG-3'
Protein context (NP_078853.2, residues 396-416): PEGFKEVRPG[Arg406Ile]AWEEHQAVGS